The following is an entry in ClinVar:

ClinVar aggregate classification (germline): Pathogenic (3 of 4 stars; one submission).

Conditions:
ABCA4-related retinopathy. Also called: ABCA4-related retinoapthy; ABCA4 retinoapthy. Identifiers: MedGen CN322612, MONDO:0800406.

Submission:

ClinGen ABCA4 Variant Curation Expert Panel, Clingen
Classification: Pathogenic for ABCA4-related retinopathy. Last evaluated: 2025-12-05. Review status: reviewed by expert panel. Criteria: ClinGen ABCA4 ACMG Specifications V1.0.0. Collection method: curation. Allele origin: germline. Inheritance: Autosomal recessive inheritance.
Comment: The NM_000350.3:c.3208_3209insGT (p.Leu1070ArgfsTer15) variant in ABCA4 is a frameshift variant predicted to cause a premature stop codon in biologically relevant exon 22/50 leading to nonsense mediated decay in a gene in which loss-of-function is an established disease mechanism (PVS1). This variant is absent from gnomAD v4.1.0 (PM2_Supporting). The prevalence of the variant in affected individuals is significantly increased compared with the prevalence in controls. The OR is infinity and the CI is 7.87-infinity, which is above the ABCA4 VCEP threshold of ≥5, where the CI does not contain 1 (PS4; PMID: 35120629). In summary, this variant meets the criteria to be classified as pathogenic for ABCA4-related retinopathy based on the ACMG/AMP criteria applied, as specified by the ClinGen ABCA4 VCEP (Specification Version 1.0): PVS1, PS4, PM2_Supporting.

NM_000350.3(ABCA4):c.3208_3209insGT (p.Leu1070fs)

Gene: ABCA4 (ATP binding cassette subfamily A member 4; minus strand). Cytogenetic location: 1p22.1.
Variant type: Insertion.
Coding change: c.3208_3209insGT on transcript NM_000350.3 (MANE Select); coding-DNA positions 3208 to 3209, GT inserted.
Protein change: p.Leu1070fs; shifts the reading frame from leucine 1070.
Molecular consequence: frameshift variant.
Genome position: GRCh38 VCF-style: chr1-94042880-A-AAC. GRCh37 (hg19) VCF-style: chr1-94508436-A-AAC.
Other names: NM_000350.3:c.3208_3209insGT; c.2986_2987insGT, p.Leu996fs (NM_001425324.1); short protein forms L1070fs, L996fs.
Identifiers: ClinVar variation 4538556 (VCV004538556.1).
Genomic context (GRCh38, chr1:94,042,880, plus strand): 5'-GAGGTGGGTTCGTCCAGAATCACCACCTTGGCATCTCCCACAAAGGCAATGGCAACCGAC[A>AAC]GCTTTCTCTGCATGCCACCTGGAGGCACAAGAAGGACGGGAGAGTTAAGGGGCTGTGGAG-3'